The following is an entry in ClinVar:

ClinVar aggregate classification (germline): Likely benign. Review status: criteria provided, multiple submitters, no conflicts (2 of 4 stars). 3 submissions from 3 submitters: Likely benign (3). Last evaluated 2025-08-28.

Conditions:
Familial cancer of breast. Also called: BREAST CANCER, FAMILIAL; hereditary breast carcinoma; Hereditary breast cancer. Identifiers: Orphanet 227535, MedGen C0346153, MONDO:0016419, OMIM 114480. Disease mechanism: loss of function.
Hereditary cancer-predisposing syndrome. Also called: Neoplastic Syndromes, Hereditary; Tumor predisposition; Hereditary Cancer Syndrome; Hereditary neoplastic syndrome. Identifiers: Orphanet 140162, MedGen C0027672, MeSH D009386, MONDO:0015356.

Allele frequency attached by ClinVar (database versions not stated): gnomAD exomes below 0.00001; gnomAD 0.00001.
gnomAD v4.1: 2 of 1,598,548 alleles (0.00013%); highest among the groups gnomAD compares: Admixed American, 0.0017%; no homozygotes.

Submissions (3):

Labcorp Genetics (formerly Invitae), Labcorp
Classification: Likely benign for Familial cancer of breast. Last evaluated: 2025-08-28. Review status: criteria provided, single submitter. Criteria: Invitae Variant Classification Sherloc (09022015). Collection method: clinical testing. Allele origin: germline.

Myriad Genetics, Inc.
Classification: Likely benign for Familial cancer of breast. Last evaluated: 2024-07-24. Review status: criteria provided, single submitter. Criteria: Myriad Autosomal Dominant, Autosomal Recessive and X-Linked Classification Criteria (2023). Collection method: clinical testing. Allele origin: unknown.
Comment: This variant is considered likely benign. This variant is intronic and is not expected to impact mRNA splicing.

Color Diagnostics, LLC DBA Color Health
Classification: Likely benign for Hereditary cancer-predisposing syndrome. Last evaluated: 2019-10-22. Review status: criteria provided, single submitter. Criteria: ACMG Guidelines, 2015. Collection method: clinical testing. Allele origin: germline.

NM_000465.4(BARD1):c.1315-11C>T

Gene: BARD1 (BRCA1 associated RING domain 1; minus strand). Cytogenetic location: 2q35.
Variant type: single nucleotide variant.
Coding change: c.1315-11C>T on transcript NM_000465.4 (MANE Select); 11 bases into the intron before coding-DNA position 1315, C replaced by T.
Molecular consequence: intron variant.
Genome position (GRCh38, 1-based): chr2:214,769,323, G>A on the plus strand (C>T on the coding strand, the complement: BARD1 is on the minus strand). VCF-style: chr2-214769323-G-A. GRCh37 (hg19) VCF-style: chr2-215634047-G-A.
Other names: c.159-16768C>T (NM_001282548.2); c.1258-11C>T (NM_001282543.2); c.216-16768C>T (NM_001282545.2); c.364+22974C>T (NM_001282549.2).
Identifiers: ClinVar variation 923596 (VCV000923596.12), dbSNP rs1462436388, ClinGen allele CA539520517.